The following is an entry in ClinVar:

ClinVar aggregate classification (germline): Uncertain significance. Review status: criteria provided, multiple submitters, no conflicts (2 of 4 stars). 2 submissions from 2 submitters: Uncertain significance (2). Last evaluated 2022-03-10.

Submissions (2):

Labcorp Genetics (formerly Invitae), Labcorp
Classification: Uncertain significance. Last evaluated: 2022-03-10. Review status: criteria provided, single submitter. Criteria: Invitae Variant Classification Sherloc (09022015). Collection method: clinical testing. Allele origin: germline.
Comment: In summary, the available evidence is currently insufficient to determine the role of this variant in disease. Therefore, it has been classified as a Variant of Uncertain Significance. Experimental studies and prediction algorithms are not available or were not evaluated, and the functional significance of this variant is currently unknown. ClinVar contains an entry for this variant (Variation ID: 950810). This variant has not been reported in the literature in individuals affected with CYP4V2-related conditions. This variant is present in population databases (no rsID available, gnomAD 0.01%). This variant, c.749_751del, results in the deletion of 1 amino acid(s) of the CYP4V2 protein (p.Glu250del), but otherwise preserves the integrity of the reading frame.

Blueprint Genetics
Classification: Uncertain significance. Last evaluated: 2022-01-05. Review status: criteria provided, single submitter. Criteria: ACMG Guidelines, 2015. Collection method: clinical testing. Allele origin: germline.

NM_207352.4(CYP4V2):c.746AAG[1] (p.Glu250del)

Gene: CYP4V2 (cytochrome P450 family 4 subfamily V member 2; plus strand). Cytogenetic location: 4q35.1.
Variant type: Microsatellite.
Coding change: c.746AAG[1] on transcript NM_207352.4 (MANE Select); one copy of the 3-base unit AAG starting at c.746; the reference has two copies in a row; one copy, 3 bases deleted.
Protein change: p.Glu250del; deletes glutamic acid 250.
Molecular consequence: inframe deletion.
Genome position (GRCh38, 1-based): chr4:186,199,031-186,199,033, AAG deleted; deleting any 3 consecutive bases within chr4:186,199,028-186,199,033 gives the same sequence; the position shown is the placement nearest the transcript's 3' end. VCF-style (leftmost placement, unchanged base first): chr4-186199027-AAAG-A. GRCh37 (hg19) VCF-style: chr4-187120181-AAAG-A.
Other names: short protein forms E250del.
Identifiers: ClinVar variation 950810 (VCV000950810.10), dbSNP rs1365813584, ClinGen allele CA557053842.